The following is an entry in ClinVar:

NM_001378743.1(CYLD):c.*1341T>G

Genes: CYLD-AS2 (CYLD antisense RNA 2; minus strand), CYLD (CYLD lysine 63 deubiquitinase; plus strand). Cytogenetic location: 16q12.1.
Variant type: single nucleotide variant.
Coding change: c.*1341T>G on transcript NM_001378743.1 (MANE Select); 1341 bases downstream of the stop codon, T replaced by G.
Molecular consequence: 3 prime UTR variant. On other transcripts: non-coding transcript variant (1).
Genome position (GRCh38, 1-based): chr16:50,797,849, T>G. VCF-style: chr16-50797849-T-G. GRCh37 (hg19) VCF-style: chr16-50831760-T-G.
Other names: c.*1341T>G (NM_001042355.2, NM_001042412.3, NM_001378744.1 and 12 more transcripts).
Identifiers: ClinVar variation 319522 (VCV000319522.5), dbSNP rs140767609, ClinGen allele CA10647633.

ClinVar aggregate classification (germline): Benign. Review status: criteria provided, single submitter (1 of 4 stars). 3 submissions from 1 submitter: Benign (3). Last evaluated 2018-01-13.

Conditions:
Familial cylindromatosis. Also called: Turban tumor syndrome; ANCELL-SPIEGLER CYLINDROMAS. Identifiers: Orphanet 211, Orphanet 79493, MedGen C1851526, MONDO:0007565, OMIM 132700.
Familial multiple trichoepitheliomata. Also called: Familial multiple trichoepithelioma. Identifiers: Orphanet 79493, Orphanet 867, MedGen C1275122, MONDO:0011114.
Brooke-Spiegler syndrome. Also called: CYLD Cutaneous Syndrome. Identifiers: Orphanet 79493, MedGen C1857941, MONDO:0011512, OMIM 605041.

Allele frequency attached by ClinVar (database versions not stated): gnomAD exomes 0.00876; 1000 Genomes Project 0.01018; 1000 Genomes Project 30x 0.01046; gnomAD 0.00470 and 0.00526; TOPMed 0.00563.
gnomAD v4.1: 1,457 of 232,676 alleles (0.63%); highest among the groups gnomAD compares: East Asian, 4.1%; 38 homozygotes.

Submissions (3):

Illumina Laboratory Services, Illumina
Classification: Benign for Brooke-Spiegler syndrome. Last evaluated: 2018-01-13. Review status: criteria provided, single submitter. Criteria: ICSL Variant Classification Criteria 13 December 2019. Collection method: clinical testing. Allele origin: germline.
Comment: This variant was observed in the ICSL laboratory as part of a predisposition screen in an ostensibly healthy population. It had not been previously curated by ICSL or reported in the Human Gene Mutation Database (HGMD: prior to June 1st, 2018), and was therefore a candidate for classification through an automated scoring system. Utilizing variant allele frequency, disease prevalence and penetrance estimates, and inheritance mode, an automated score was calculated to assess if this variant is too frequent to cause the disease. Based on the score and internal cut-off values, a variant classified as benign is not then subjected to further curation. The score for this variant resulted in a classification of benign for this disease.

Illumina Laboratory Services, Illumina
Classification: Benign for Familial cylindromatosis. Last evaluated: 2018-01-13. Review status: criteria provided, single submitter. Criteria: ICSL Variant Classification Criteria 13 December 2019. Collection method: clinical testing. Allele origin: germline.
Comment: the same text as in the submission from Illumina Laboratory Services, Illumina above.

Illumina Laboratory Services, Illumina
Classification: Benign for Trichoepithelioma, multiple familial, 1. Last evaluated: 2018-01-13. Review status: criteria provided, single submitter. Criteria: ICSL Variant Classification Criteria 13 December 2019. Collection method: clinical testing. Allele origin: germline.
Comment: the same text as in the submission from Illumina Laboratory Services, Illumina above.